The following is an entry in ClinVar:

NM_000492.3:c.54_273del

Gene: CFTR (CF transmembrane conductance regulator; plus strand).
Variant type: Deletion.
Identifiers: ClinVar variation 1747309 (VCV001747309.2).

ClinVar aggregate classification (germline): Pathogenic (1 of 4 stars; one submission).

Conditions:
Cystic fibrosis (CF). Also called: MUCOVISCIDOSIS. Identifiers: Orphanet 586, MedGen C0010674, MONDO:0009061, OMIM 219700. Disease mechanism: loss of function.

Submission:

Ambry Genetics
Classification: Pathogenic for Cystic fibrosis. Last evaluated: 2016-12-16. Review status: criteria provided, single submitter. Criteria: Ambry Variant Classification Scheme 2023. Collection method: clinical testing. Allele origin: germline.
Comment: The EX2_3del gross deletion (CFTRdele2,3, c.54-5940_273+10250del21kb, and p.Ser18Argfs*16) spans coding exons 2 through 3 in the CFTR gene. In one study, patients who were homozygous for an EX2_3del gross deletion exhibited features of classic cystic fibrosis (CF) (Dork T et al. Hum Genet. 2000;106:259-268). This mutation is associated with elevated sweat chloride levels, pancreatic insufficiency, and Pseudomonas infection (Sosnay PR, Nat. Genet. 2013 Oct; 45(10):1160-7, Supplementary Table). In addition to the clinical data presented in the literature, this alteration is expected to result in loss of function due to an abnormal transcript, a translational frameshift leading to premature truncation, or nonsense-mediated mRNA decay. As such, this alteration is interpreted as a disease-causing mutation.

Literature cited by the submitters: PubMed 23974870.